The following is an entry in ClinVar:

ClinVar aggregate classification (germline): Likely benign. Review status: criteria provided, multiple submitters, no conflicts (2 of 4 stars). 3 submissions from 3 submitters: Likely benign (2). 1 of the submissions does not count toward it. Last evaluated 2025-05-14.

Conditions:
IRF2BP2-related disorder. Also called: IRF2BP2-related condition.

Submissions (3):

Labcorp Genetics (formerly Invitae), Labcorp
Classification: Likely benign. Last evaluated: 2025-05-14. Review status: criteria provided, single submitter. Criteria: Invitae Variant Classification Sherloc (09022015). Collection method: clinical testing. Allele origin: germline.

Blueprint Genetics
Classification: Likely benign. Last evaluated: 2023-08-11. Review status: criteria provided, single submitter. Criteria: ACMG Guidelines, 2015. Collection method: clinical testing. Allele origin: germline.

PreventionGenetics, part of Exact Sciences
Classification: Likely benign for IRF2BP2-related condition. Last evaluated: 2019-09-17. Review status: no assertion criteria provided. Collection method: clinical testing. Allele origin: germline. Not counted in ClinVar's aggregate classification.
Comment: This variant is classified as likely benign based on ACMG/AMP sequence variant interpretation guidelines (Richards et al. 2015 PMID: 25741868, with internal and published modifications).

NM_182972.3(IRF2BP2):c.609C>T (p.Leu203=)

Genes: IRF2BP2 (interferon regulatory factor 2 binding protein 2; minus strand), LOC129932811 (ATAC-STARR-seq lymphoblastoid silent region 1976; plus strand). Cytogenetic location: 1q42.3.
Variant type: single nucleotide variant.
Coding change: c.609C>T on transcript NM_182972.3 (MANE Select); coding-DNA position 609, C replaced by T.
Protein change: p.Leu203=; no amino-acid change (leucine 203 retained).
Molecular consequence: synonymous variant.
Genome position (GRCh38, 1-based): chr1:234,608,886, G>A on the plus strand (C>T on the coding strand, the complement: IRF2BP2 is on the minus strand). VCF-style: chr1-234608886-G-A. GRCh37 (hg19) VCF-style: chr1-234744632-G-A.
Other names: c.609C>T, p.Leu203= (NM_001077397.1); c.609C>T (NM_182972.2).
Identifiers: ClinVar variation 1595733 (VCV001595733.13), dbSNP rs1008389879, ClinGen allele CA39546475.